The following is an entry in ClinVar:

NM_178014.4(TUBB):c.281A>T (p.Gln94Leu)

Gene: TUBB (tubulin beta class I; plus strand). Cytogenetic location: 6p21.33.
Variant type: single nucleotide variant.
Coding change: c.281A>T on transcript NM_178014.4 (MANE Select); coding-DNA position 281, A replaced by T.
Protein change: p.Gln94Leu; replaces glutamine 94 with leucine.
Molecular consequence: missense variant.
Genome position (GRCh38, 1-based): chr6:30,723,343, A>T. VCF-style: chr6-30723343-A-T. GRCh37 (hg19) VCF-style: chr6-30691120-A-T.
Other names: c.341A>T, p.Gln114Leu (NM_001293212.2); c.281A>T, p.Gln94Leu (NM_001293213.2); c.149A>T, p.Gln50Leu (NM_001293214.2); c.65A>T, p.Gln22Leu (NM_001293215.2, NM_001293216.2); short protein forms Q114L, Q22L, Q50L, Q94L.
Identifiers: ClinVar variation 3359267 (VCV003359267.1).

ClinVar aggregate classification (germline): Uncertain significance (1 of 4 stars; one submission).

Submission:

GeneDx
Classification: Uncertain significance. Last evaluated: 2023-06-01. Review status: criteria provided, single submitter. Criteria: GeneDx Variant Classification Process June 2021. Collection method: clinical testing. Allele origin: germline. Affected: yes.
Comment: Not observed at significant frequency in large population cohorts (gnomAD); In silico analysis supports that this missense variant has a deleterious effect on protein structure/function; Has not been previously published as pathogenic or benign to our knowledge